The following is an entry in ClinVar:

NM_001651.4(AQP5):c.704G>A (p.Arg235His)

Gene: AQP5 (aquaporin 5; plus strand). Cytogenetic location: 12q13.12.
Variant type: single nucleotide variant.
Coding change: c.704G>A on transcript NM_001651.4 (MANE Select); coding-DNA position 704, G replaced by A.
Protein change: p.Arg235His; replaces arginine 235 with histidine.
Molecular consequence: missense variant.
Genome position (GRCh38, 1-based): chr12:49,965,083, G>A. VCF-style: chr12-49965083-G-A. GRCh37 (hg19) VCF-style: chr12-50358866-G-A.
Other names: c.704G>A (NM_001651.2); short protein forms R235H.
Identifiers: ClinVar variation 1369001 (VCV001369001.9), dbSNP rs148637740, ClinGen allele CA6559628.
Genomic context (GRCh38, chr12:49,965,083, plus strand): 5'-TCCTGGCTGCCATCCTTTACTTCTACCTGCTCTTCCCCAACTCCCTGAGCCTGAGTGAGC[G>A]TGTGGCCATCATCAAAGGCACGTATGAGCCTGACGAGGACTGGGAGGAGCAGCGGGAAGA-3'
Protein context (NP_001642.1, residues 225-245): LFPNSLSLSE[Arg235His]VAIIKGTYEP

ClinVar aggregate classification (germline): Uncertain significance. Review status: criteria provided, multiple submitters, no conflicts (2 of 4 stars). 2 submissions from 2 submitters: Uncertain significance (2). Last evaluated 2025-10-02.

Allele frequency attached by ClinVar (database versions not stated): ESP Exome Variant Server 0.00008; TOPMed 0.00018; gnomAD 0.00019 and 0.00022; gnomAD exomes 0.00020; ExAC 0.00024; 1000 Genomes Project 0.00040; 1000 Genomes Project 30x 0.00047.
gnomAD v4.1: 397 of 1,614,076 alleles (0.025%); highest among the groups gnomAD compares: Middle Eastern, 0.21%; no homozygotes.

Submissions (2):

Labcorp Genetics (formerly Invitae), Labcorp
Classification: Uncertain significance. Last evaluated: 2025-10-02. Review status: criteria provided, single submitter. Criteria: Invitae Variant Classification Sherloc (09022015). Collection method: clinical testing. Allele origin: germline.
Comment: This sequence change replaces arginine, which is basic and polar, with histidine, which is basic and polar, at codon 235 of the AQP5 protein (p.Arg235His). This variant is present in population databases (rs148637740, gnomAD 0.03%). This variant has not been reported in the literature in individuals affected with AQP5-related conditions. ClinVar contains an entry for this variant (Variation ID: 1369001). An algorithm developed to predict the effect of missense changes on protein structure and function (PolyPhen-2) suggests that this variant is likely to be disruptive. In summary, the available evidence is currently insufficient to determine the role of this variant in disease. Therefore, it has been classified as a Variant of Uncertain Significance.

Ambry Genetics
Classification: Uncertain significance. Last evaluated: 2022-09-14. Review status: criteria provided, single submitter. Criteria: Ambry Variant Classification Scheme 2023. Collection method: clinical testing. Allele origin: germline.